The following is an entry in ClinVar:

NM_198334.3(GANAB):c.1840G>A (p.Val614Met)

Gene: GANAB (glucosidase II alpha subunit; minus strand). Cytogenetic location: 11q12.3.
Variant type: single nucleotide variant.
Coding change: c.1840G>A on transcript NM_198334.3 (MANE Select); coding-DNA position 1840, G replaced by A.
Protein change: p.Val614Met; replaces valine 614 with methionine.
Molecular consequence: missense variant.
Genome position (GRCh38, 1-based): chr11:62,629,290, C>T on the plus strand (G>A on the coding strand, the complement: GANAB is on the minus strand). VCF-style: chr11-62629290-C-T. GRCh37 (hg19) VCF-style: chr11-62396762-C-T.
Other names: c.1564G>A, p.Val522Met (NM_001278192.2); c.1498G>A, p.Val500Met (NM_001278193.2); c.1549G>A, p.Val517Met (NM_001278194.2, NM_001329222.2, NM_001329223.2); c.1117G>A, p.Val373Met (NM_001329224.2, NM_001329225.2); c.1906G>A, p.Val636Met (NM_198335.4); short protein forms V373M, V500M, V517M, V522M, V614M, V636M.
Identifiers: ClinVar variation 3066317 (VCV003066317.1), dbSNP rs770506502, ClinGen allele CA6050636.
Genomic context (GRCh38, chr11:62,629,290, plus strand): 5'-GACACATAGGAATAGAGATCTTCAAATGGTCCCACTCGGCAGTGTTGTCCCCTGTCCACA[C>T]GGCTCCTGAGGAAGACAAGAAGTGGGGAGCTTGCACATGGTAAAGGAGTTCAGCTTTTTA-3'
Protein context (NP_938148.1, residues 604-624): FFAGSQRFGA[Val614Met]WTGDNTAEWD

ClinVar aggregate classification (germline): Uncertain significance (1 of 4 stars; one submission).

Conditions:
Polycystic kidney disease 3 with or without polycystic liver disease. Also called: POLYCYSTIC KIDNEY DISEASE, ADULT, TYPE III; Polycystic kidney disease 3; Polycystic Kidney and/or Polycystic Liver Disease 3. Identifiers: MedGen C3887964, MONDO:0010916, OMIM 600666.

Allele frequency attached by ClinVar (database versions not stated): TOPMed below 0.00001.
gnomAD v4.1: 8 of 1,607,296 alleles (0.0005%); highest among the groups gnomAD compares: Admixed American, 0.0017%; no homozygotes.

Submission:

MVZ Medizinische Genetik Mainz
Classification: Uncertain significance for Polycystic kidney disease 3 with or without polycystic liver disease. Last evaluated: 2021-10-22. Review status: criteria provided, single submitter. Criteria: UK Practice Guidelines For Variant Classification V4 01 2020. Collection method: clinical testing. Allele origin: germline. Inheritance: Autosomal dominant inheritance. Affected: yes. Observed: 1 variant allele.
Comment: ACMG Criteria: PM2_SUP, PP3 (ACMG Version 3)